The following is an entry in ClinVar:

ClinVar aggregate classification (germline): Uncertain significance (1 of 4 stars; one submission).

Submission:

Ambry Genetics
Classification: Uncertain significance. Last evaluated: 2026-06-03. Review status: criteria provided, single submitter. Criteria: Ambry Variant Classification Scheme 2023. Collection method: clinical testing. Allele origin: germline.
Comment: The c.509A>C (p.E170A) alteration is located in exon 2 (coding exon 1) of the TGIF2LX gene. This alteration results from a A to C substitution at nucleotide position 509, causing the glutamic acid (E) at amino acid position 170 to be replaced by an alanine (A). Based on data from gnomAD, the C allele has an overall frequency of <0.001% (1/182706) total alleles studied. The highest observed frequency was 0.001% (1/81488) of European (non-Finnish) alleles. Based on insufficient or conflicting evidence, the clinical significance of this alteration remains unclear.

NM_138960.4(TGIF2LX):c.509A>C (p.Glu170Ala)

Gene: TGIF2LX (TGFB induced factor homeobox 2 like X-linked; plus strand). Cytogenetic location: Xq21.31.
Variant type: single nucleotide variant.
Coding change: c.509A>C on transcript NM_138960.4 (MANE Select); coding-DNA position 509, A replaced by C.
Protein change: p.Glu170Ala; replaces glutamic acid 170 with alanine.
Molecular consequence: missense variant.
Genome position (GRCh38, 1-based): chrX:89,922,594, A>C. VCF-style: chrX-89922594-A-C. GRCh37 (hg19) VCF-style: chrX-89177593-A-C.
Other names: short protein forms E170A.
Identifiers: ClinVar variation 4865660 (VCV004865660.1).
Genomic context (GRCh38, chrX:89,922,594, plus strand): 5'-GTCCAGACAATGTACAAAGCCTGCCCCTGTGGCCCTTGCCAAAGGGCCAGATGTCAAGAG[A>C]GAAGCAACCAGATCCGGAGTCGGCCCCTAGCCAGAAGCTCACCGGAATAGCCCAGCCGAA-3'
Protein context (NP_620410.3, residues 160-180): WPLPKGQMSR[Glu170Ala]KQPDPESAPS